The following is an entry in ClinVar:

ClinVar aggregate classification (germline): Uncertain significance. Review status: criteria provided, multiple submitters, no conflicts (2 of 4 stars). 2 submissions from 2 submitters: Uncertain significance (2). Last evaluated 2024-09-08.

Submissions (2):

Ambry Genetics
Classification: Uncertain significance. Last evaluated: 2024-09-08. Review status: criteria provided, single submitter. Criteria: Ambry Variant Classification Scheme 2023. Collection method: clinical testing. Allele origin: germline.

Labcorp Genetics (formerly Invitae), Labcorp
Classification: Uncertain significance. Last evaluated: 2021-12-29. Review status: criteria provided, single submitter. Criteria: Invitae Variant Classification Sherloc (09022015). Collection method: clinical testing. Allele origin: germline.
Comment: Algorithms developed to predict the effect of missense changes on protein structure and function are either unavailable or do not agree on the potential impact of this missense change (SIFT: "Tolerated"; PolyPhen-2: "Possibly Damaging"; Align-GVGD: "Class C0"). Algorithms developed to predict the effect of sequence changes on RNA splicing suggest that this variant may create or strengthen a splice site. In summary, the available evidence is currently insufficient to determine the role of this variant in disease. Therefore, it has been classified as a Variant of Uncertain Significance. This variant has not been reported in the literature in individuals affected with VAV1-related conditions. This sequence change replaces glycine, which is neutral and non-polar, with arginine, which is basic and polar, at codon 568 of the VAV1 protein (p.Gly568Arg). This variant is not present in population databases (gnomAD no frequency).

NM_005428.4(VAV1):c.1702G>A (p.Gly568Arg)

Gene: VAV1 (vav guanine nucleotide exchange factor 1; plus strand). Cytogenetic location: 19p13.3.
Variant type: single nucleotide variant.
Coding change: c.1702G>A on transcript NM_005428.4 (MANE Select); coding-DNA position 1702, G replaced by A.
Protein change: p.Gly568Arg; replaces glycine 568 with arginine.
Molecular consequence: missense variant.
Genome position (GRCh38, 1-based): chr19:6,833,619, G>A. VCF-style: chr19-6833619-G-A. GRCh37 (hg19) VCF-style: chr19-6833630-G-A.
Other names: c.1702G>A (NM_005428.2); c.1702G>A, p.Gly568Arg (NM_001258206.2); c.1606G>A, p.Gly536Arg (NM_001258207.2); short protein forms G536R, G568R.
Identifiers: ClinVar variation 2065851 (VCV002065851.5), dbSNP rs2512381167, ClinGen allele CA403629484.